The following is an entry in ClinVar:

NC_000001.10:g.(?_10687309)_(10687440_?)del

Gene: PEX14 (peroxisomal biogenesis factor 14; plus strand). Cytogenetic location: 1p36.22.
Variant type: Deletion.
Identifiers: ClinVar variation 2425164 (VCV002425164.4).

ClinVar aggregate classification (germline): Uncertain significance (1 of 4 stars; one submission).

Conditions:
Peroxisome biogenesis disorder, complementation group K (CGK). Identifiers: MedGen C1866257, MONDO:0800365.

Submission:

Labcorp Genetics (formerly Invitae), Labcorp
Classification: Uncertain significance for Peroxisome biogenesis disorder, complementation group K. Last evaluated: 2022-05-16. Review status: criteria provided, single submitter. Criteria: Invitae Variant Classification Sherloc (09022015). Collection method: clinical testing. Allele origin: germline.
Comment: This variant is a gross deletion of the genomic region encompassing exon(s) 8 of the PEX14 gene. While this deletion is not anticipated to lead to nonsense mediated decay, it is expected to disrupt the C-terminus of the protein. This variant has not been reported in the literature in individuals affected with PEX14-related conditions. Experimental studies and prediction algorithms are not available or were not evaluated, and the functional significance of this variant is currently unknown. In summary, the available evidence is currently insufficient to determine the role of this variant in disease. Therefore, it has been classified as a Variant of Uncertain Significance.